The following is an entry in ClinVar:

NM_001267550.2(TTN):c.43646A>C (p.Lys14549Thr)

Gene: TTN (titin; minus strand). Cytogenetic location: 2q31.2.
Variant type: single nucleotide variant.
Coding change: c.43646A>C on transcript NM_001267550.2 (MANE Select); coding-DNA position 43646, A replaced by C.
Protein change: p.Lys14549Thr; replaces lysine 14549 with threonine.
Molecular consequence: missense variant.
Genome position (GRCh38, 1-based): chr2:178,632,248, T>G on the plus strand (A>C on the coding strand, the complement: TTN is on the minus strand). VCF-style: chr2-178632248-T-G. GRCh37 (hg19) VCF-style: chr2-179496975-T-G.
Other names: c.38723A>C, p.Lys12908Thr (NM_001256850.1); c.16451A>C, p.Lys5484Thr (NM_003319.4); c.35942A>C, p.Lys11981Thr (NM_133378.4); c.16826A>C, p.Lys5609Thr (NM_133432.3); c.17027A>C, p.Lys5676Thr (NM_133437.4); short protein forms K12908T, K11981T, K14549T, K5484T, K5609T, K5676T.
Identifiers: ClinVar variation 1777127 (VCV001777127.2), dbSNP rs775953090, ClinGen allele CA349649587.

ClinVar aggregate classification (germline): Uncertain significance (1 of 4 stars; one submission).

Conditions:
Cardiovascular phenotype. Identifiers: MedGen CN230736.

gnomAD v4.1: 2 of 1,608,808 alleles (0.00012%); highest among the groups gnomAD compares: African/African-American, 0.0027%; no homozygotes.

Submission:

Ambry Genetics
Classification: Uncertain significance for Cardiovascular phenotype. Last evaluated: 2018-10-28. Review status: criteria provided, single submitter. Criteria: Ambry Variant Classification Scheme 2023. Collection method: clinical testing. Allele origin: germline.
Comment: The p.K5484T variant (also known as c.16451A>C), located in coding exon 63 of the TTN gene, results from an A to C substitution at nucleotide position 16451. The lysine at codon 5484 is replaced by threonine, an amino acid with similar properties. This amino acid position is highly conserved in available vertebrate species. In addition, this alteration is predicted to be tolerated by in silico analysis. Since supporting evidence is limited at this time, the clinical significance of this alteration remains unclear.